The following is an entry in ClinVar:

ClinVar aggregate classification (germline): Likely benign (1 of 4 stars; one submission).

Submission:

CeGaT Center for Human Genetics Tuebingen
Classification: Likely benign. Last evaluated: 2022-07-01. Review status: criteria provided, single submitter. Criteria: CeGaT Center For Human Genetics Tuebingen Variant Classification Criteria Version 2. Collection method: clinical testing. Allele origin: germline. Affected: yes. Observed: 1 variant allele.
Comment: CFAP52: PM2:Supporting, BP4, BP7

NM_145054.5(CFAP52):c.1095G>A (p.Arg365=)

Gene: CFAP52 (cilia and flagella associated protein 52; plus strand). Cytogenetic location: 17p13.1.
Variant type: single nucleotide variant.
Coding change: c.1095G>A on transcript NM_145054.5 (MANE Select); coding-DNA position 1095, G replaced by A.
Protein change: p.Arg365=; no amino-acid change (arginine 365 retained).
Molecular consequence: synonymous variant.
Genome position (GRCh38, 1-based): chr17:9,628,741, G>A. VCF-style: chr17-9628741-G-A. GRCh37 (hg19) VCF-style: chr17-9532058-G-A.
Other names: c.1095G>A, p.Arg365= (NM_001037306.1); c.891G>A, p.Arg297= (NM_001080556.2).
Identifiers: ClinVar variation 2647465 (VCV002647465.24), dbSNP rs1910333331, ClinGen allele CA497821271.